The following is an entry in ClinVar:

ClinVar aggregate classification (germline): Likely benign (1 of 4 stars; one submission).

Conditions:
RPGR-related disorder. Also called: RPGR-related condition.

gnomAD v4.1: 2 of 1,153,381 alleles (0.00017%); highest among the groups gnomAD compares: Admixed American, 0.0054%; no homozygotes.

Submission:

PreventionGenetics, part of Exact Sciences
Classification: Likely benign for RPGR-related condition. Last evaluated: 2025-08-16. Review status: criteria provided, single submitter. Criteria: ACMG Guidelines, 2015. Collection method: clinical testing. Allele origin: germline.
Comment: This variant is classified as likely benign based on ACMG/AMP sequence variant interpretation guidelines (Richards et al. 2015 PMID: 25741868, with internal and published modifications).

NM_001034853.2(RPGR):c.2262A>G (p.Glu754=)

Gene: RPGR (retinitis pigmentosa GTPase regulator; minus strand). Cytogenetic location: Xp11.4.
Variant type: single nucleotide variant.
Coding change: c.2262A>G on transcript NM_001034853.2 (MANE Select); coding-DNA position 2262, A replaced by G.
Protein change: p.Glu754=; no amino-acid change (glutamic acid 754 retained).
Molecular consequence: synonymous variant. On other transcripts: intron variant (8).
Genome position (GRCh38, 1-based): chrX:38,286,737, T>C on the plus strand (A>G on the coding strand, the complement: RPGR is on the minus strand). VCF-style: chrX-38286737-T-C. GRCh37 (hg19) VCF-style: chrX-38145990-T-C.
Other names: c.1569+4222A>G (NM_001367249.1, NM_001367250.1); c.1902+357A>G (NM_001367245.1); c.1386+4222A>G (NM_001367251.1); c.1719+357A>G (NM_001367246.1); c.1572+4222A>G (NM_001367247.1); c.1905+357A>G (NM_000328.3); c.1602+4222A>G (NM_001367248.1).
Identifiers: ClinVar variation 4996591 (VCV004996591.1).